The following is an entry in ClinVar:

NM_001943.5(DSG2):c.3338T>C (p.Val1113Ala)

Genes: DSG2 (desmoglein 2; plus strand), DSG2-AS1 (DSG2 antisense RNA 1; minus strand). Cytogenetic location: 18q12.1.
Variant type: single nucleotide variant.
Coding change: c.3338T>C on transcript NM_001943.5 (MANE Select); coding-DNA position 3338, T replaced by C.
Protein change: p.Val1113Ala; replaces valine 1113 with alanine.
Molecular consequence: missense variant.
Genome position (GRCh38, 1-based): chr18:31,546,724, T>C. VCF-style: chr18-31546724-T-C. GRCh37 (hg19) VCF-style: chr18-29126687-T-C.
Other names: short protein forms V1113A.
Identifiers: ClinVar variation 3070858 (VCV003070858.1), dbSNP rs1321744685, ClinGen allele CA402149505.

ClinVar aggregate classification (germline): Uncertain significance (1 of 4 stars; one submission).

Conditions:
Arrhythmogenic right ventricular cardiomyopathy (ARVD). Also called: Arrhythmogenic right ventricular dysplasia; Cardiomyopathy, ARVC; Arrhythmogenic cardiomyopathy; Arrhythmogenic Right Ventricular Cardiomyopathy (ARVC). Identifiers: Orphanet 247, MedGen C0349788, MeSH D019571, MONDO:0016587. Disease mechanism: loss of function. Inheritance: Various modes of inheritance.

Submission:

All of Us Research Program, National Institutes of Health
Classification: Uncertain significance for Arrhythmogenic right ventricular cardiomyopathy. Last evaluated: 2023-05-04. Review status: criteria provided, single submitter. Criteria: ACMG Guidelines, 2015. Collection method: clinical testing. Allele origin: germline. Inheritance: Autosomal dominant inheritance. Observed: 1 variant allele, 1 heterozygote.
Comment: This missense variant replaces valine with alanine at codon 1113 of the DSG2 protein. Computational prediction suggests that this variant may not impact protein structure and function (internally defined REVEL score threshold <= 0.5, PMID: 27666373). To our knowledge, functional studies have not been reported for this variant. This variant has not been reported in individuals affected with DSG2-related disorders in the literature. This variant has been identified in 1/249136 chromosomes in the general population by the Genome Aggregation Database (gnomAD). The available evidence is insufficient to determine the role of this variant in disease conclusively. Therefore, this variant is classified as a Variant of Uncertain Significance.

This study involves interpretation of variants in research participants for the purpose of population health screening. Participant phenotype was not available at the time of variant classification. Additional details can be found in publication PMID: 35346344, PMCID: PMC8962531